The following is an entry in ClinVar:

NM_000360.4(TH):c.1236C>A (p.Phe412Leu)

Gene: TH (tyrosine hydroxylase; minus strand). Cytogenetic location: 11p15.5.
Variant type: single nucleotide variant.
Coding change: c.1236C>A on transcript NM_000360.4 (MANE Select); coding-DNA position 1236, C replaced by A.
Protein change: p.Phe412Leu; replaces phenylalanine 412 with leucine.
Molecular consequence: missense variant.
Genome position (GRCh38, 1-based): chr11:2,165,330, G>T on the plus strand (C>A on the coding strand, the complement: TH is on the minus strand). VCF-style: chr11-2165330-G-T. GRCh37 (hg19) VCF-style: chr11-2186560-G-T.
Other names: c.1329C>A, p.Phe443Leu (NM_199292.3); c.1317C>A, p.Phe439Leu (NM_199293.3); short protein forms F439L, F412L, F443L.
Identifiers: ClinVar variation 2153236 (VCV002153236.1), dbSNP rs367624648, ClinGen allele CA379125257.

ClinVar aggregate classification (germline): Uncertain significance (1 of 4 stars; one submission).

Conditions:
TH-deficient dopa-responsive dystonia. Also called: Tyrosine Hydroxylase-Deficient Dopa-Responsive Dystonia; Segawa syndrome, autosomal recessive; DYT-TH. Identifiers: Orphanet 101150, MedGen C2673535, MONDO:0011551, OMIM 605407.

Submission:

Labcorp Genetics (formerly Invitae), Labcorp
Classification: Uncertain significance for TH-deficient dopa-responsive dystonia. Last evaluated: 2022-03-27. Review status: criteria provided, single submitter. Criteria: Invitae Variant Classification Sherloc (09022015). Collection method: clinical testing. Allele origin: germline.
Comment: This sequence change replaces phenylalanine, which is neutral and non-polar, with leucine, which is neutral and non-polar, at codon 443 of the TH protein (p.Phe443Leu). This variant is not present in population databases (gnomAD no frequency). This variant has not been reported in the literature in individuals affected with TH-related conditions. Algorithms developed to predict the effect of missense changes on protein structure and function are either unavailable or do not agree on the potential impact of this missense change (SIFT: "Deleterious"; PolyPhen-2: "Probably Damaging"; Align-GVGD: "Class C15"). Algorithms developed to predict the effect of sequence changes on RNA splicing suggest that this variant may create or strengthen a splice site. In summary, the available evidence is currently insufficient to determine the role of this variant in disease. Therefore, it has been classified as a Variant of Uncertain Significance.